The following is an entry in ClinVar:

ClinVar aggregate classification (germline): Conflicting classifications of pathogenicity. Review status: criteria provided, conflicting classifications (1 of 4 stars). 4 submissions from 4 submitters: Uncertain significance (3); Likely benign (1). Last evaluated 2026-06-01.

Conditions:
Charcot-Marie-Tooth disease type 4. Also called: Charcot-Marie-Tooth disease, type IV; Charcot-Marie-Tooth, Type 4. Identifiers: Orphanet 64749, MedGen C4082197, MONDO:0018995.
Charcot-Marie-Tooth disease. Also called: Charcot-Marie-Tooth Neuropathy; Charcot-Marie-Tooth Hereditary Neuropathy. Identifiers: Orphanet 166, MedGen C0007959, MONDO:0015626.

Allele frequency attached by ClinVar (database versions not stated): TOPMed 0.00003; ExAC 0.00006; gnomAD exomes 0.00006; gnomAD 0.00007.

Submissions (4):

CeGaT Center for Human Genetics Tuebingen
Classification: Uncertain significance. Last evaluated: 2026-06-01. Review status: criteria provided, single submitter. Criteria: CeGaT Center For Human Genetics Tuebingen Variant Classification Criteria Version 2. Collection method: clinical testing. Allele origin: germline. Affected: yes. Observed: 1 variant allele.
Comment: FIG4: PM2

Labcorp Genetics (formerly Invitae), Labcorp
Classification: Likely benign for Charcot-Marie-Tooth disease type 4. Last evaluated: 2025-07-22. Review status: criteria provided, single submitter. Criteria: Invitae Variant Classification Sherloc (09022015). Collection method: clinical testing. Allele origin: germline.

GeneDx
Classification: Uncertain significance. Last evaluated: 2025-05-21. Review status: criteria provided, single submitter. Criteria: GeneDx Variant Classification Process June 2021. Collection method: clinical testing. Allele origin: germline. Affected: yes.
Comment: Has not been previously published as pathogenic or benign to our knowledge; In silico analysis suggests this variant may impact gene splicing. In the absence of RNA/functional studies, the actual effect of this sequence change is unknown.

Molecular Genetics Laboratory, London Health Sciences Centre
Classification: Uncertain significance for Charcot-Marie-Tooth disease. Review status: criteria provided, single submitter. Criteria: ACMG Guidelines, 2015. Collection method: clinical testing. Allele origin: germline. Affected: yes.

NM_014845.6(FIG4):c.498-13A>G

Gene: FIG4 (FIG4 phosphoinositide 5-phosphatase; plus strand). Cytogenetic location: 6q21.
Variant type: single nucleotide variant.
Coding change: c.498-13A>G on transcript NM_014845.6 (MANE Select); 13 bases into the intron before coding-DNA position 498, A replaced by G.
Molecular consequence: intron variant.
Genome position (GRCh38, 1-based): chr6:109,735,137, A>G. VCF-style: chr6-109735137-A-G. GRCh37 (hg19) VCF-style: chr6-110056340-A-G.
Identifiers: ClinVar variation 916869 (VCV000916869.9), dbSNP rs199891240, ClinGen allele CA3955819.